The following is an entry in ClinVar:

ClinVar aggregate classification (germline): Likely pathogenic. Review status: criteria provided, multiple submitters, no conflicts (2 of 4 stars). 2 submissions from 2 submitters: Likely pathogenic (2). Last evaluated 2024-03-03.

Conditions:
Ataxia-telangiectasia syndrome (AT). Also called: LOUIS-BAR SYNDROME; Cerebello-oculocutaneous telangiectasia; Immunodeficiency with ataxia telangiectasia; Ataxia telangiectasia (A-T); Ataxia-telangiectasia, complementation group D; AT, COMPLEMENTATION GROUP C. Identifiers: Orphanet 100, MedGen C0004135, MONDO:0008840, OMIM 208900.
Familial cancer of breast. Also called: BREAST CANCER, FAMILIAL; Hereditary breast cancer; hereditary breast carcinoma. Identifiers: Orphanet 227535, MedGen C0346153, MONDO:0016419, OMIM 114480. Disease mechanism: loss of function.

Submissions (2):

Baylor Genetics
Classification: Likely pathogenic for Familial cancer of breast. Last evaluated: 2024-03-03. Review status: criteria provided, single submitter. Criteria: ACMG Guidelines, 2015. Collection method: clinical testing. Allele origin: unknown.

Labcorp Genetics (formerly Invitae), Labcorp
Classification: Likely pathogenic for Ataxia-telangiectasia syndrome. Last evaluated: 2023-02-14. Review status: criteria provided, single submitter. Criteria: Invitae Variant Classification Sherloc (09022015). Collection method: clinical testing. Allele origin: germline.
Comment: This sequence change results in a frameshift in the ATM gene (p.Arg3047Glnfs*17). While this is not anticipated to result in nonsense mediated decay, it is expected to disrupt the last 10 amino acid(s) of the ATM protein and extend the protein by 6 additional amino acid residues. This variant is not present in population databases (gnomAD no frequency). This variant has not been reported in the literature in individuals affected with ATM-related conditions. This variant disrupts the FATC domain, which spans the last 33 amino acids of the ATM protein and is required for ATM kinase activity in response to DNA damage (PMID: 19781682, 16603769). While functional studies have not been performed to directly test the effect of this variant on ATM protein function, this suggests that disruption of this region of the protein is causative of disease. In summary, the currently available evidence indicates that the variant is pathogenic, but additional data are needed to prove that conclusively. Therefore, this variant has been classified as Likely Pathogenic.

Literature cited by the submitters: PubMed 19781682 (cited by Labcorp Genetics (formerly Invitae), Labcorp); PubMed 16603769 (cited by Labcorp Genetics (formerly Invitae), Labcorp).

NM_000051.4(ATM):c.9132_9135dup (p.Arg3047fs)

Genes: ATM (ATM serine/threonine kinase; plus strand), C11orf65 (chromosome 11 open reading frame 65; minus strand). Cytogenetic location: 11q22.3.
Variant type: Microsatellite.
Coding change: c.9132_9135dup on transcript NM_000051.4 (MANE Select); coding-DNA positions 9132 to 9135, 4 bases duplicated (TCTC; older notation c.9132_9135dupTCTC).
Protein change: p.Arg3047fs; shifts the reading frame from arginine 3047.
Molecular consequence: frameshift variant. On other transcripts: intron variant (2).
Genome position (GRCh38, 1-based): chr11:108,365,469-108,365,472, TCTC duplicated. VCF-style (leftmost placement, unchanged base first): chr11-108365468-A-ATCTC. GRCh37 (hg19) VCF-style: chr11-108236195-A-ATCTC.
Other names: c.9132_9135dup, p.Arg3047fs (NM_001351834.2); c.640+20448GA[4] (NM_001330368.2); c.694+20448GA[4] (NM_001351110.2); short protein forms R3047fs.
Identifiers: ClinVar variation 1523381 (VCV001523381.9), dbSNP rs2137926139, ClinGen allele CA2580615050.